The following is an entry in ClinVar:

NM_000234.3(LIG1):c.815A>G (p.Asn272Ser)

Gene: LIG1 (DNA ligase 1; minus strand). Cytogenetic location: 19q13.33.
Variant type: single nucleotide variant.
Coding change: c.815A>G on transcript NM_000234.3 (MANE Select); coding-DNA position 815, A replaced by G.
Protein change: p.Asn272Ser; replaces asparagine 272 with serine.
Molecular consequence: missense variant. On other transcripts: non-coding transcript variant (6).
Genome position (GRCh38, 1-based): chr19:48,143,925, T>C on the plus strand (A>G on the coding strand, the complement: LIG1 is on the minus strand). VCF-style: chr19-48143925-T-C. GRCh37 (hg19) VCF-style: chr19-48647182-T-C.
Other names: c.722A>G, p.Asn241Ser (NM_001289063.2); c.611A>G, p.Asn204Ser (NM_001289064.2); c.812A>G, p.Asn271Ser (NM_001320970.2); c.725A>G, p.Asn242Ser (NM_001320971.2); short protein forms N241S, N204S, N271S, N272S, N242S.
Identifiers: ClinVar variation 1967242 (VCV001967242.5), dbSNP rs1359110587, ClinGen allele CA406650836.
Genomic context (GRCh38, chr19:48,143,925, plus strand): 5'-AAAAGGGAGAAACCTCACTTCTGGCCCGGTTTCCAGCAGGCATCTTCCACGGGATGATAG[T>C]TGTTCTTGGCAGGATTGTAACCAGATGGATCCAGGGGTCTACGGAGGCAAAACGGAGATT-3'
Protein context (NP_000225.1, residues 262-282): DPSGYNPAKN[Asn272Ser]YHPVEDACWK

ClinVar aggregate classification (germline): Uncertain significance (1 of 4 stars; one submission).

gnomAD v4.1: 4 of 1,614,040 alleles (0.00025%); highest among the groups gnomAD compares: Non-Finnish European, 0.00025%; no homozygotes.

Submission:

Labcorp Genetics (formerly Invitae), Labcorp
Classification: Uncertain significance. Last evaluated: 2022-04-29. Review status: criteria provided, single submitter. Criteria: Invitae Variant Classification Sherloc (09022015). Collection method: clinical testing. Allele origin: germline.
Comment: Algorithms developed to predict the effect of missense changes on protein structure and function output the following: SIFT: "Tolerated"; PolyPhen-2: "Benign"; Align-GVGD: "Class C0". The serine amino acid residue is found in multiple mammalian species, which suggests that this missense change does not adversely affect protein function. This variant has not been reported in the literature in individuals affected with LIG1-related conditions. This variant is not present in population databases (gnomAD no frequency). This sequence change replaces asparagine, which is neutral and polar, with serine, which is neutral and polar, at codon 272 of the LIG1 protein (p.Asn272Ser). In summary, the available evidence is currently insufficient to determine the role of this variant in disease. Therefore, it has been classified as a Variant of Uncertain Significance.